The following is an entry in ClinVar:

ClinVar aggregate classification (germline): Benign (1 of 4 stars; one submission).

Allele frequency attached by ClinVar (database versions not stated): gnomAD 0.01763 and 0.01867; TOPMed 0.01965; 1000 Genomes Project 0.02236; 1000 Genomes Project 30x 0.02452.
gnomAD v4.1: 2,646 of 152,226 alleles (1.7%); highest among the groups gnomAD compares: African/African-American, 6.1%; 64 homozygotes.

Submission:

GeneDx
Classification: Benign. Last evaluated: 2018-06-14. Review status: criteria provided, single submitter. Criteria: GeneDx Variant Classification (06012015). Collection method: clinical testing. Allele origin: germline. Affected: yes.
Comment: This variant is considered likely benign or benign based on one or more of the following criteria: it is a conservative change, it occurs at a poorly conserved position in the protein, it is predicted to be benign by multiple in silico algorithms, and/or has population frequency not consistent with disease.

NM_000393.5(COL5A2):c.853-297A>G

Gene: COL5A2 (collagen type V alpha 2 chain; minus strand). Cytogenetic location: 2q32.2.
Variant type: single nucleotide variant.
Coding change: c.853-297A>G on transcript NM_000393.5 (MANE Select); 297 bases into the intron before coding-DNA position 853, A replaced by G.
Molecular consequence: intron variant.
Genome position (GRCh38, 1-based): chr2:189,081,340, T>C on the plus strand (A>G on the coding strand, the complement: COL5A2 is on the minus strand). VCF-style: chr2-189081340-T-C. GRCh37 (hg19) VCF-style: chr2-189946066-T-C.
Identifiers: ClinVar variation 681313 (VCV000681313.1), dbSNP rs116435277, ClinGen allele CA62565037.